The following is an entry in ClinVar:

ClinVar aggregate classification (germline): Likely pathogenic (1 of 4 stars; one submission).

Submission:

GeneDx
Classification: Likely pathogenic. Last evaluated: 2018-03-07. Review status: criteria provided, single submitter. Criteria: GeneDx Variant Classification (06012015). Collection method: clinical testing. Allele origin: germline. Affected: yes.
Comment: A variant that is likely pathogenic has been identified in the HACE1 gene. The c.326+2T>G variant has not been published as a pathogenic variant, nor has it been reported as a benign variant to our knowledge. This splice site variant destroys the canonical splice donor site in intron 4. It is predicted to cause abnormal gene splicing, either leading to an abnormal message that is subject to nonsense-mediated mRNA decay, or to an abnormal protein product if the message is used for protein translation. Furthermore, the c.326+2T>G variant is not observed in large population cohorts (Lek et al., 2016). Therefore, this variant is likely pathogenic; however, the possibility that it is benign cannot be excluded.

NM_020771.4(HACE1):c.326+2T>G

Gene: HACE1 (HECT domain and ankyrin repeat containing E3 ubiquitin protein ligase 1; minus strand). Cytogenetic location: 6q16.3.
Variant type: single nucleotide variant.
Coding change: c.326+2T>G on transcript NM_020771.4 (MANE Select); the canonical splice donor site of the intron after coding-DNA position 326, T replaced by G.
Molecular consequence: splice donor variant.
Genome position (GRCh38, 1-based): chr6:104,849,140, A>C on the plus strand (T>G on the coding strand, the complement: HACE1 is on the minus strand). VCF-style: chr6-104849140-A-C. GRCh37 (hg19) VCF-style: chr6-105297015-A-C.
Other names: c.326+2T>G (NM_001350555.2, NM_001321080.2); c.-250+2T>G (NM_001350560.2); c.-20+2T>G (NM_001350557.2); c.-85+2T>G (NM_001350556.2); c.-42+2T>G (NM_001350559.2); c.-96+2T>G (NM_001350558.2, NM_001321084.2); c.224+2T>G (NM_001350554.2, NM_001321083.2).
Identifiers: ClinVar variation 504416 (VCV000504416.2), dbSNP rs1554263840, ClinGen allele CA365137018.